The following is an entry in ClinVar:

ClinVar aggregate classification (germline): Likely pathogenic (1 of 4 stars; one submission).

Submission:

GeneDx
Classification: Likely pathogenic. Last evaluated: 2025-06-11. Review status: criteria provided, single submitter. Criteria: GeneDx Variant Classification Process June 2021. Collection method: clinical testing. Allele origin: germline.
Comment: Has not been previously published as pathogenic or benign to our knowledge; Not observed at significant frequency in large population cohorts (gnomAD); In silico analysis supports that this missense variant has a deleterious effect on protein structure/function

NM_001039591.3(USP9X):c.7352C>T (p.Thr2451Met)

Gene: USP9X (ubiquitin specific peptidase 9 X-linked; plus strand). Cytogenetic location: Xp11.4.
Variant type: single nucleotide variant.
Coding change: c.7352C>T on transcript NM_001039591.3 (MANE Select); coding-DNA position 7352, C replaced by T.
Protein change: p.Thr2451Met; replaces threonine 2451 with methionine.
Molecular consequence: missense variant.
Genome position (GRCh38, 1-based): chrX:41,229,700, C>T. VCF-style: chrX-41229700-C-T. GRCh37 (hg19) VCF-style: chrX-41088953-C-T.
Other names: c.7352C>T, p.Thr2451Met (NM_001039590.3); c.7367C>T, p.Thr2456Met (NM_001410748.1, NM_001410749.1); short protein forms T2451M, T2456M.
Identifiers: ClinVar variation 3363865 (VCV003363865.2).